The following is an entry in ClinVar:

ClinVar aggregate classification (germline): Conflicting classifications of pathogenicity. Review status: criteria provided, conflicting classifications (1 of 4 stars). 13 submissions from 10 submitters: Uncertain significance (7); Benign (1); Likely benign (5). Last evaluated 2025-12-01.

Conditions:
Familial Hypertrophic Cardiomyopathy with Wolff-Parkinson-White Syndrome. Identifiers: MedGen CN239247.
Cardiomyopathy (CMYO). Also called: Cardiomyopathies. Identifiers: Orphanet 167848, MedGen C0878544, MONDO:0004994, HP:0001638. Inheritance: Various modes of inheritance.
Cardiomyopathy, familial restrictive, 1. Identifiers: Orphanet 75249, MedGen C1861861, MONDO:0007270, OMIM 115210.
Dilated cardiomyopathy 2A (CMD2A). Also called: CARDIOMYOPATHY, CONGESTIVE, AUTOSOMAL RECESSIVE; CARDIOMYOPATHY, DILATED, AUTOSOMAL RECESSIVE. Identifiers: Orphanet 154, MedGen C2678474, MONDO:0012746, OMIM 611880.
Hypertrophic cardiomyopathy 7. Also called: TNNI3-Related Familial Hypertrophic Cardiomyopathy; Familial hypertrophic cardiomyopathy 7; CARDIOMYOPATHY, FAMILIAL HYPERTROPHIC, 7, MODIFIER OF. Identifiers: MedGen C1860752, MONDO:0013369, OMIM 613690.
Hypertrophic cardiomyopathy. Also called: HYPERTROPHIC MYOCARDIOPATHY. Identifiers: Orphanet 217569, MedGen C0007194, MeSH D002312, MONDO:0005045, HP:0001639.

Allele frequency attached by ClinVar (database versions not stated): ESP Exome Variant Server 0.00017; gnomAD 0.00002; gnomAD exomes 0.00003; TOPMed 0.00003; ExAC 0.00008.

Submissions (13):

Labcorp Genetics (formerly Invitae), Labcorp
Classification: Likely benign for Hypertrophic cardiomyopathy. Last evaluated: 2025-12-01. Review status: criteria provided, single submitter. Criteria: Invitae Variant Classification Sherloc (09022015). Collection method: clinical testing. Allele origin: germline.

Women's Health and Genetics/Laboratory Corporation of America, LabCorp
Classification: Likely benign. Last evaluated: 2025-04-29. Review status: criteria provided, single submitter. Criteria: LabCorp Variant Classification Summary - May 2015. Collection method: clinical testing. Allele origin: germline.

All of Us Research Program, National Institutes of Health
Classification: Likely benign for Hypertrophic cardiomyopathy. Last evaluated: 2024-02-05. Review status: criteria provided, single submitter. Criteria: ACMG Guidelines, 2015. Collection method: clinical testing. Allele origin: germline. Inheritance: Autosomal dominant inheritance. Observed: 10 variant alleles, 10 heterozygotes.
Comment: This study involves interpretation of variants in research participants for the purpose of population health screening. Participant phenotype was not available at the time of variant classification. Additional details can be found in publication PMID: 35346344, PMCID: PMC8962531

Blueprint Genetics
Classification: Likely benign. Last evaluated: 2023-12-19. Review status: criteria provided, single submitter. Criteria: ACMG Guidelines, 2015. Collection method: clinical testing. Allele origin: germline.

CHEO Genetics Diagnostic Laboratory, Children's Hospital of Eastern Ontario
Classification: Uncertain significance for Cardiomyopathy. Last evaluated: 2020-08-20. Review status: criteria provided, single submitter. Criteria: ACMG Guidelines, 2015. Collection method: clinical testing. Allele origin: germline.

Color Diagnostics, LLC DBA Color Health
Classification: Likely benign for Cardiomyopathy. Last evaluated: 2018-11-16. Review status: criteria provided, single submitter. Criteria: ACMG Guidelines, 2015. Collection method: clinical testing. Allele origin: germline.

Illumina Laboratory Services, Illumina
Classification: Uncertain significance for Dilated cardiomyopathy 2A. Last evaluated: 2018-01-13. Review status: criteria provided, single submitter. Criteria: ICSL Variant Classification Criteria 13 December 2019. Collection method: clinical testing. Allele origin: germline.

Illumina Laboratory Services, Illumina
Classification: Uncertain significance for Hypertrophic cardiomyopathy 7. Last evaluated: 2018-01-13. Review status: criteria provided, single submitter. Criteria: ICSL Variant Classification Criteria 13 December 2019. Collection method: clinical testing. Allele origin: germline.

Illumina Laboratory Services, Illumina
Classification: Uncertain significance for Cardiomyopathy, familial restrictive, 1. Last evaluated: 2018-01-13. Review status: criteria provided, single submitter. Criteria: ICSL Variant Classification Criteria 13 December 2019. Collection method: clinical testing. Allele origin: germline.

Illumina Laboratory Services, Illumina
Classification: Uncertain significance for Familial Hypertrophic Cardiomyopathy with Wolff-Parkinson-White Syndrome. Last evaluated: 2018-01-13. Review status: criteria provided, single submitter. Criteria: ICSL Variant Classification Criteria 13 December 2019. Collection method: clinical testing. Allele origin: germline.

CeGaT Center for Human Genetics Tuebingen
Classification: Uncertain significance. Last evaluated: 2016-11-01. Review status: criteria provided, single submitter. Criteria: CeGaT Center For Human Genetics Tuebingen Variant Classification Criteria Version 2. Collection method: clinical testing. Allele origin: germline. Affected: yes. Observed: 1 variant allele.

Laboratory for Molecular Medicine, Mass General Brigham Personalized Medicine
Classification: Uncertain significance. Last evaluated: 2013-01-28. Review status: criteria provided, single submitter. Criteria: LMM Criteria. Collection method: clinical testing. Allele origin: germline. Observed: 1 variant allele.
Comment: The 151-6C>G variant in TNNI3 has not been reported in the literature nor previo usly identified by our laboratory. This variant has been identified in 2/7882 Eu ropean American chromosomes from a broad population by the NHLBI Exome Sequencin g Project. This variant is located in the 3' splice region. Computational tools do not suggest an impact to splicing, though this information is not predictive enough to rule out pathogenicity. Additional information is needed to fully assess the variant's clinical significance.

GeneDx
Classification: Benign. Last evaluated: 2011-11-23. Review status: criteria provided, single submitter. Criteria: GeneDx Variant Classification (06012015). Collection method: clinical testing. Allele origin: germline. Affected: yes.
Comment: This variant is considered likely benign or benign based on one or more of the following criteria: it is a conservative change, it occurs at a poorly conserved position in the protein, it is predicted to be benign by multiple in silico algorithms, and/or has population frequency not consistent with disease.

NM_000363.5(TNNI3):c.151-6C>G

Gene: TNNI3 (troponin I3, cardiac type; minus strand). Cytogenetic location: 19q13.42.
Variant type: single nucleotide variant.
Coding change: c.151-6C>G on transcript NM_000363.5 (MANE Select); 6 bases into the intron before coding-DNA position 151, C replaced by G.
Molecular consequence: intron variant.
Genome position (GRCh38, 1-based): chr19:55,156,338, G>C on the plus strand (C>G on the coding strand, the complement: TNNI3 is on the minus strand). VCF-style: chr19-55156338-G-C. GRCh37 (hg19) VCF-style: chr19-55667706-G-C.
Identifiers: ClinVar variation 43363 (VCV000043363.68), dbSNP rs377258542, ClinGen allele CA021312.
Genomic context (GRCh38, chr19:55,156,338, plus strand): 5'-GCCGCTCCTCCGCCTCTCGCTCCAGCTCTTGCTTTGCAATCTGCAGCAGCAGAGTCTGCA[G>C]AGGGGTGGGAGGGAAGCGCAGCCCACCCGGGGCTTCAGGATAAAGACCAGGCGTGGGGAA-3'